The following is an entry in ClinVar:

ClinVar aggregate classification (germline): Uncertain significance. Review status: criteria provided, multiple submitters, no conflicts (2 of 4 stars). 2 submissions from 2 submitters: Uncertain significance (2). Last evaluated 2025-08-23.

Conditions:
Inborn genetic diseases. Identifiers: MedGen C0950123, MeSH D030342.
Fanconi anemia (FA). Also called: Fanconi's anemia. Identifiers: Orphanet 84, MedGen C0015625, MeSH D005199, MONDO:0019391.

gnomAD v4.1: 3 of 1,614,008 alleles (0.00019%); highest among the groups gnomAD compares: Non-Finnish European, 0.00017%; no homozygotes.

Submissions (2):

Ambry Genetics
Classification: Uncertain significance for Inborn genetic diseases. Last evaluated: 2025-08-23. Review status: criteria provided, single submitter. Criteria: Ambry Variant Classification Scheme 2023. Collection method: clinical testing. Allele origin: germline.

Labcorp Genetics (formerly Invitae), Labcorp
Classification: Uncertain significance for Fanconi anemia. Last evaluated: 2024-09-02. Review status: criteria provided, single submitter. Criteria: Invitae Variant Classification Sherloc (09022015). Collection method: clinical testing. Allele origin: germline.
Comment: This sequence change replaces glutamic acid, which is acidic and polar, with aspartic acid, which is acidic and polar, at codon 1523 of the SLX4 protein (p.Glu1523Asp). This variant is present in population databases (rs377443183, gnomAD 0.002%). This variant has not been reported in the literature in individuals affected with SLX4-related conditions. An algorithm developed to predict the effect of missense changes on protein structure and function outputs the following: PolyPhen-2: "Benign". The aspartic acid amino acid residue is found in multiple mammalian species, which suggests that this missense change does not adversely affect protein function. In summary, the available evidence is currently insufficient to determine the role of this variant in disease. Therefore, it has been classified as a Variant of Uncertain Significance.

NM_032444.4(SLX4):c.4569G>T (p.Glu1523Asp)

Gene: SLX4 (SLX4 structure-specific endonuclease subunit; minus strand). Cytogenetic location: 16p13.3.
Variant type: single nucleotide variant.
Coding change: c.4569G>T on transcript NM_032444.4 (MANE Select); coding-DNA position 4569, G replaced by T.
Protein change: p.Glu1523Asp; replaces glutamic acid 1523 with aspartic acid.
Molecular consequence: missense variant.
Genome position (GRCh38, 1-based): chr16:3,589,069, C>A on the plus strand (G>T on the coding strand, the complement: SLX4 is on the minus strand). VCF-style: chr16-3589069-C-A. GRCh37 (hg19) VCF-style: chr16-3639070-C-A.
Other names: short protein forms E1523D.
Identifiers: ClinVar variation 3666487 (VCV003666487.3).